The following is an entry in ClinVar:

NM_014714.4(IFT140):c.2907C>T (p.Gly969=)

Genes: IFT140 (intraflagellar transport 140; minus strand), LOC126862260 (CDK7 strongly-dependent group 2 enhancer GRCh37_chr16:1574508-1575707; plus strand). Cytogenetic location: 16p13.3.
Variant type: single nucleotide variant.
Coding change: c.2907C>T on transcript NM_014714.4 (MANE Select); coding-DNA position 2907, C replaced by T.
Protein change: p.Gly969=; no amino-acid change (glycine 969 retained).
Molecular consequence: synonymous variant.
Genome position (GRCh38, 1-based): chr16:1,524,874, G>A on the plus strand (C>T on the coding strand, the complement: IFT140 is on the minus strand). VCF-style: chr16-1524874-G-A. GRCh37 (hg19) VCF-style: chr16-1574875-G-A.
Other names: c.2907C>T (NM_014714.3).
Identifiers: ClinVar variation 1036153 (VCV001036153.10), dbSNP rs1157630610, ClinGen allele CA493032080.

ClinVar aggregate classification (germline): Likely benign. Review status: criteria provided, multiple submitters, no conflicts (2 of 4 stars). 2 submissions from 2 submitters: Likely benign (2). Last evaluated 2026-06-04.

Conditions:
IFT140-related disorder. Also called: IFT140-related condition.
Saldino-Mainzer syndrome (SRTD9). Also called: SHORT-RIB THORACIC DYSPLASIA 9 WITHOUT POLYDACTYLY; CONORENAL SYNDROME; short-rib thoracic dysplasia 9 with or without polydactyly; Renal dysplasia, retinal pigmentary dystrophy, cerebellar ataxia and skeletal dysplasia. Identifiers: Orphanet 140969, MedGen C1849437, MONDO:0009964, OMIM 266920.

Submissions (2):

PreventionGenetics, part of Exact Sciences
Classification: Likely benign for IFT140-related condition. Last evaluated: 2026-06-04. Review status: criteria provided, single submitter. Criteria: ACMG Guidelines, 2015. Collection method: clinical testing. Allele origin: germline.
Comment: This variant is classified as likely benign based on ACMG/AMP sequence variant interpretation guidelines (Richards et al. 2015 PMID: 25741868, with internal and published modifications).

Labcorp Genetics (formerly Invitae), Labcorp
Classification: Likely benign for Saldino-Mainzer syndrome. Last evaluated: 2024-02-17. Review status: criteria provided, single submitter. Criteria: Invitae Variant Classification Sherloc (09022015). Collection method: clinical testing. Allele origin: germline.